The following is an entry in ClinVar:

NM_000263.4(NAGLU):c.1940C>T (p.Thr647Ile)

Gene: NAGLU (N-acetyl-alpha-glucosaminidase; plus strand). Cytogenetic location: 17q21.2.
Variant type: single nucleotide variant.
Coding change: c.1940C>T on transcript NM_000263.4 (MANE Select); coding-DNA position 1940, C replaced by T.
Protein change: p.Thr647Ile; replaces threonine 647 with isoleucine.
Molecular consequence: missense variant.
Genome position (GRCh38, 1-based): chr17:42,543,946, C>T. VCF-style: chr17-42543946-C-T. GRCh37 (hg19) VCF-style: chr17-40695964-C-T.
Other names: short protein forms T647I.
Identifiers: ClinVar variation 1714509 (VCV001714509.5), dbSNP rs1233556369, ClinGen allele CA399605561.

ClinVar aggregate classification (germline): Uncertain significance (1 of 4 stars; one submission).

Conditions:
Charcot-Marie-Tooth disease axonal type 2V. Also called: CHARCOT-MARIE-TOOTH NEUROPATHY, TYPE 2V; CHARCOT-MARIE-TOOTH DISEASE, AXONAL, AUTOSOMAL DOMINANT, TYPE 2V. Identifiers: Orphanet 447964, MedGen C5569050, MONDO:0014665, OMIM 616491.
Mucopolysaccharidosis, MPS-III-B (MPS3B). Also called: MUCOPOLYSACCHARIDOSIS, TYPE IIIB; Mucopolysaccharidosis type IIIB (Sanfilippo B); N-ACETYL-ALPHA-D-GLUCOSAMINIDASE DEFICIENCY; NAGLU DEFICIENCY; SANFILIPPO SYNDROME B; MPS III B. Identifiers: Orphanet 79270, MedGen C0086648, MONDO:0009656, OMIM 252920.

Submission:

Labcorp Genetics (formerly Invitae), Labcorp
Classification: Uncertain significance for Charcot-Marie-Tooth disease axonal type 2V; Mucopolysaccharidosis, MPS-III-B. Last evaluated: 2022-07-30. Review status: criteria provided, single submitter. Criteria: Invitae Variant Classification Sherloc (09022015). Collection method: clinical testing. Allele origin: germline.
Comment: In summary, the available evidence is currently insufficient to determine the role of this variant in disease. Therefore, it has been classified as a Variant of Uncertain Significance. Advanced modeling of protein sequence and biophysical properties (such as structural, functional, and spatial information, amino acid conservation, physicochemical variation, residue mobility, and thermodynamic stability) performed at Invitae indicates that this missense variant is expected to disrupt NAGLU protein function. This variant has not been reported in the literature in individuals affected with NAGLU-related conditions. This variant is not present in population databases (gnomAD no frequency). This sequence change replaces threonine, which is neutral and polar, with isoleucine, which is neutral and non-polar, at codon 647 of the NAGLU protein (p.Thr647Ile).